The following is an entry in ClinVar:

ClinVar aggregate classification (germline): Uncertain significance (1 of 4 stars; one submission).

gnomAD v4.1: 12 of 1,613,620 alleles (0.00074%); highest among the groups gnomAD compares: Middle Eastern, 0.033%; no homozygotes.

Submission:

Ambry Genetics
Classification: Uncertain significance. Last evaluated: 2026-07-29. Review status: criteria provided, single submitter. Criteria: Ambry Variant Classification Scheme 2023. Collection method: clinical testing. Allele origin: germline.
Comment: The c.2335A>G (p.N779D) alteration is located in exon 12 (coding exon 12) of the PIK3C2A gene. This alteration results from a A to G substitution at nucleotide position 2335, causing the asparagine (N) at amino acid position 779 to be replaced by an aspartic acid (D). Based on data from gnomAD, the G allele has an overall frequency of 0.001% (3/282810) total alleles studied. The highest observed frequency was 0.002% (3/129152) of European (non-Finnish) alleles. Based on insufficient or conflicting evidence, the clinical significance of this alteration remains unclear.

NM_002645.4(PIK3C2A):c.2335A>G (p.Asn779Asp)

Gene: PIK3C2A (phosphatidylinositol-4-phosphate 3-kinase catalytic subunit type 2 alpha; minus strand). Cytogenetic location: 11p15.1.
Variant type: single nucleotide variant.
Coding change: c.2335A>G on transcript NM_002645.4 (MANE Select); coding-DNA position 2335, A replaced by G.
Protein change: p.Asn779Asp; replaces asparagine 779 with aspartic acid.
Molecular consequence: missense variant. On other transcripts: intron variant (1).
Genome position (GRCh38, 1-based): chr11:17,129,364, T>C on the plus strand (A>G on the coding strand, the complement: PIK3C2A is on the minus strand). VCF-style: chr11-17129364-T-C. GRCh37 (hg19) VCF-style: chr11-17150911-T-C.
Other names: c.2335A>G, p.Asn779Asp (NM_001321378.2); c.1195A>G, p.Asn399Asp (NM_001321380.2); c.2231+2552A>G (NM_001386870.1); short protein forms N779D, N399D.
Identifiers: ClinVar variation 5026669 (VCV005026669.1).
Genomic context (GRCh38, chr11:17,129,364, plus strand): 5'-TAAAGTCAAAAAGAGGTAAAGAAACTTTGCCCAAAGCTTCTGGTCCCTTTCTCTGCTTAT[T>C]AGAATCAGGGGAACTTCCACTGCTCTGATTTAAAATTCCAAAAAGAGTAAGGTGAAGAAC-3'
Protein context (NP_002636.2, residues 769-789): NQSSGSSPDS[Asn779Asp]KQRKGPEALG